The following is an entry in ClinVar:

ClinVar aggregate classification (germline): Benign/Likely benign. Review status: criteria provided, multiple submitters, no conflicts (2 of 4 stars). 6 submissions from 6 submitters: Benign (2); Likely benign (3). 1 of the submissions does not count toward it. Last evaluated 2026-01-13.

Conditions:
STX1B-related disorder. Also called: STX1B-related condition.
Generalized epilepsy with febrile seizures plus, type 9 (GEFSP9). Also called: GEFS+, TYPE 9. Identifiers: Orphanet 36387, MedGen C4015395, MONDO:0014517, OMIM 616172.
Inborn genetic diseases. Identifiers: MedGen C0950123, MeSH D030342.

Allele frequency attached by ClinVar (database versions not stated): gnomAD exomes 0.00014 and 0.00041; ExAC 0.00057; gnomAD 0.00163 and 0.00173; TOPMed 0.00171; ESP Exome Variant Server 0.00192; 1000 Genomes Project 0.00300; 1000 Genomes Project 30x 0.00328.
gnomAD v4.1: 454 of 1,614,120 alleles (0.028%); highest among the groups gnomAD compares: African/African-American, 0.57%; 1 homozygote.

Submissions (6):

Labcorp Genetics (formerly Invitae), Labcorp
Classification: Benign for Generalized epilepsy with febrile seizures plus, type 9. Last evaluated: 2026-01-13. Review status: criteria provided, single submitter. Criteria: Invitae Variant Classification Sherloc (09022015). Collection method: clinical testing. Allele origin: germline.

Blueprint Genetics
Classification: Likely benign. Last evaluated: 2024-07-04. Review status: criteria provided, single submitter. Criteria: ACMG Guidelines, 2015. Collection method: clinical testing. Allele origin: germline.

Fulgent Genetics
Classification: Likely benign for Generalized epilepsy with febrile seizures plus, type 9. Last evaluated: 2022-04-11. Review status: criteria provided, single submitter. Criteria: ACMG Guidelines, 2015. Collection method: clinical testing. Allele origin: unknown.

GeneDx
Classification: Benign. Last evaluated: 2018-11-13. Review status: criteria provided, single submitter. Criteria: GeneDx Variant Classification Process June 2021. Collection method: clinical testing. Allele origin: germline. Affected: yes.

Ambry Genetics
Classification: Likely benign for Inborn genetic diseases. Last evaluated: 2017-06-30. Review status: criteria provided, single submitter. Criteria: Ambry Variant Classification Scheme 2023. Collection method: clinical testing. Allele origin: germline.

PreventionGenetics, part of Exact Sciences
Classification: Benign for STX1B-related condition. Last evaluated: 2019-04-11. Review status: no assertion criteria provided. Collection method: clinical testing. Allele origin: germline. Not counted in ClinVar's aggregate classification.
Comment: This variant is classified as benign based on ACMG/AMP sequence variant interpretation guidelines (Richards et al. 2015 PMID: 25741868, with internal and published modifications).

NM_052874.5(STX1B):c.609G>A (p.Lys203=)

Gene: STX1B (syntaxin 1B; minus strand). Cytogenetic location: 16p11.2.
Variant type: single nucleotide variant.
Coding change: c.609G>A on transcript NM_052874.5 (MANE Select); coding-DNA position 609, G replaced by A.
Protein change: p.Lys203=; no amino-acid change (lysine 203 retained).
Molecular consequence: synonymous variant.
Genome position (GRCh38, 1-based): chr16:30,993,413, C>T on the plus strand (G>A on the coding strand, the complement: STX1B is on the minus strand). VCF-style: chr16-30993413-C-T. GRCh37 (hg19) VCF-style: chr16-31004734-C-T.
Identifiers: ClinVar variation 475340 (VCV000475340.19), dbSNP rs61733980, ClinGen allele CA8018310.